The following is an entry in ClinVar:

ClinVar aggregate classification (germline): Pathogenic/Likely pathogenic. Review status: criteria provided, multiple submitters, no conflicts (2 of 4 stars). 2 submissions from 2 submitters: Pathogenic (1); Likely pathogenic (1). Last evaluated 2025-12-17.

Conditions:
TALDO1-related disorder. Also called: TALDO1-related condition.

Submissions (2):

Labcorp Genetics (formerly Invitae), Labcorp
Classification: Pathogenic. Last evaluated: 2025-12-17. Review status: criteria provided, single submitter. Criteria: Invitae Variant Classification Sherloc (09022015). Collection method: clinical testing. Allele origin: germline.
Comment: This sequence change creates a premature translational stop signal (p.Met234Hisfs*18) in the TALDO1 gene. It is expected to result in an absent or disrupted protein product. Loss-of-function variants in TALDO1 are known to be pathogenic (PMID: 23315216, 26238251). This variant is not present in population databases (gnomAD no frequency). This variant has not been reported in the literature in individuals affected with TALDO1-related conditions. For these reasons, this variant has been classified as Pathogenic.

Blueprint Genetics
Classification: Likely pathogenic for TALDO1-related disorders. Last evaluated: 2024-07-03. Review status: criteria provided, single submitter. Criteria: ACMG Guidelines, 2015. Collection method: clinical testing. Allele origin: germline. Affected: yes. Observed: 1 variant allele.

Literature cited by the submitters: PubMed 23315216 (cited by Labcorp Genetics (formerly Invitae), Labcorp); PubMed 26238251 (cited by Labcorp Genetics (formerly Invitae), Labcorp).

NM_006755.2(TALDO1):c.699dup (p.Met234fs)

Gene: TALDO1 (transaldolase 1; plus strand). Cytogenetic location: 11p15.5.
Variant type: Duplication.
Coding change: c.699dup on transcript NM_006755.2 (MANE Select); coding-DNA position 699, one base duplicated (C; older notation c.699dupC).
Protein change: p.Met234fs; shifts the reading frame from methionine 234.
Molecular consequence: frameshift variant.
Genome position (GRCh38, 1-based): chr11:763,808, C duplicated. VCF-style (leftmost placement, unchanged base first): chr11-763807-T-TC. GRCh37 (hg19) VCF-style: chr11-763807-T-TC.
Other names: short protein forms M234fs.
Identifiers: ClinVar variation 4694555 (VCV004694555.2).